The following is an entry in ClinVar:

ClinVar aggregate classification (germline): Benign/Likely benign. Review status: criteria provided, multiple submitters, no conflicts (2 of 4 stars). 3 submissions from 3 submitters: Benign (1); Likely benign (2). Last evaluated 2026-05-14.

Conditions:
Hereditary cancer-predisposing syndrome. Also called: Hereditary Cancer Syndrome; Hereditary neoplastic syndrome; Neoplastic Syndromes, Hereditary; Tumor predisposition. Identifiers: Orphanet 140162, MedGen C0027672, MeSH D009386, MONDO:0015356.
Cardiovascular phenotype. Identifiers: MedGen CN230736.
Neurofibromatosis, type 1 (NF1). Also called: Neurofibromatosis, type I; VON RECKLINGHAUSEN DISEASE; NEUROFIBROMATOSIS, TYPE I, SOMATIC; Peripheral type neurofibromatosis. Identifiers: Orphanet 636, MedGen C0027831, MONDO:0018975, OMIM 162200. Disease mechanism: loss of function.

Allele frequency attached by ClinVar (database versions not stated): gnomAD 0.00001; TOPMed 0.00002.
gnomAD v4.1: 7 of 1,614,026 alleles (0.00043%); highest among the groups gnomAD compares: African/African-American, 0.008%; no homozygotes.

Submissions (3):

Myriad Genetics, Inc.
Classification: Benign for Neurofibromatosis, type 1. Last evaluated: 2026-05-14. Review status: criteria provided, single submitter. Criteria: Myriad Autosomal Dominant, Autosomal Recessive and X-Linked Classification Criteria (2023). Collection method: clinical testing. Allele origin: unknown.
Comment: This variant is considered benign. This variant is a silent/synonymous amino acid change and it is not expected to impact splicing.

Labcorp Genetics (formerly Invitae), Labcorp
Classification: Likely benign for Neurofibromatosis, type 1. Last evaluated: 2025-10-08. Review status: criteria provided, single submitter. Criteria: Invitae Variant Classification Sherloc (09022015). Collection method: clinical testing. Allele origin: germline.

Ambry Genetics
Classification: Likely benign for Cardiovascular phenotype; Hereditary cancer-predisposing syndrome. Last evaluated: 2017-12-06. Review status: criteria provided, single submitter. Criteria: Ambry Variant Classification Scheme 2023. Collection method: clinical testing. Allele origin: germline.

NM_001042492.3(NF1):c.414C>G (p.Ala138=)

Gene: NF1 (neurofibromin 1; plus strand). Cytogenetic location: 17q11.2.
Variant type: single nucleotide variant.
Coding change: c.414C>G on transcript NM_001042492.3 (MANE Select); coding-DNA position 414, C replaced by G.
Protein change: p.Ala138=; no amino-acid change (alanine 138 retained).
Molecular consequence: synonymous variant.
Genome position (GRCh38, 1-based): chr17:31,163,311, C>G. VCF-style: chr17-31163311-C-G. GRCh37 (hg19) VCF-style: chr17-29490329-C-G.
Other names: c.414C>G, p.Ala138= (NM_000267.4, NM_001128147.3).
Identifiers: ClinVar variation 706225 (VCV000706225.10), dbSNP rs1597635949, ClinGen allele CA499200493.